The following is an entry in ClinVar:

NM_007294.4(BRCA1):c.4594G>A (p.Val1532Ile)

Gene: BRCA1 (BRCA1 DNA repair associated; minus strand). Cytogenetic location: 17q21.31.
Variant type: single nucleotide variant.
Coding change: c.4594G>A on transcript NM_007294.4 (MANE Select); coding-DNA position 4594, G replaced by A.
Protein change: p.Val1532Ile; replaces valine 1532 with isoleucine.
Molecular consequence: missense variant. On other transcripts: non-coding transcript variant (1).
Genome position (GRCh38, 1-based): chr17:43,074,412, C>T on the plus strand (G>A on the coding strand, the complement: BRCA1 is on the minus strand). VCF-style: chr17-43074412-C-T. GRCh37 (hg19) VCF-style: chr17-41226429-C-T.
Other names: c.1144G>A, p.Val382Ile (NM_001408452.1, NM_001408453.1, NM_001408454.1 and 3 more transcripts); c.1141G>A, p.Val381Ile (NM_001408458.1, NM_001408459.1, NM_001408460.1 and 7 more transcripts); c.1138G>A, p.Val380Ile (NM_001408468.1, NM_001408469.1, NM_001408470.1); c.1282G>A, p.Val428Ile (NM_001408472.1, NM_007298.4, NM_007299.4 and 13 more transcripts); c.1279G>A, p.Val427Ile (NM_001408473.1, NM_001408392.1, NM_001408396.1 and 8 more transcripts); c.1084G>A, p.Val362Ile (NM_001408474.1); c.1081G>A, p.Val361Ile (NM_001408475.1, NM_001408476.1); c.1075G>A, p.Val359Ile (NM_001408478.1, NM_001408479.1, NM_001408480.1); and 68 more; short protein forms V1532I, V1553I, V428I, V1485I, V427I, V429I, V1236I, V1403I.
Identifiers: ClinVar variation 184744 (VCV000184744.21), dbSNP rs786201658, ClinGen allele CA002920.
Genomic context (GRCh38, chr17:43,074,412, plus strand): 5'-AAGATGTTTCCGTCAAATCGTGTGGCCCAGACTCTTCCAGCTGTTGCTCCTCCACATCAA[C>T]AACCTTAATGAGCTCCTCTTGAGATGGGTAGTTTCTATTCTGAAGACTCCCAGAGCAACT-3'
Protein context (NP_009225.1, residues 1522-1542): YPSQEELIKV[Val1532Ile]DVEEQQLEES

ClinVar aggregate classification (germline): Conflicting classifications of pathogenicity. Review status: criteria provided, conflicting classifications (1 of 4 stars). 5 submissions from 5 submitters: Uncertain significance (4); Likely benign (1). Last evaluated 2025-12-29.

Conditions:
Hereditary cancer-predisposing syndrome. Also called: Hereditary neoplastic syndrome; Neoplastic Syndromes, Hereditary; Tumor predisposition; Hereditary Cancer Syndrome. Identifiers: Orphanet 140162, MedGen C0027672, MeSH D009386, MONDO:0015356.
Hereditary breast ovarian cancer syndrome. Also called: Hereditary breast and ovarian cancer syndrome (HBOC); Breast and ovarian cancer; Hereditary breast and/or ovarian cancer syndrome; BRCA1- and BRCA2-Associated Hereditary Breast and Ovarian Cancer; Hereditary breast and ovarian cancer syndrome; Hereditary breast and ovarian cancer. Identifiers: Orphanet 145, MedGen C0677776, MeSH D061325, MONDO:0003582. Disease mechanism: loss of function.

Submissions (5):

Center for Genomic Medicine, Rigshospitalet, Copenhagen University Hospital
Classification: Likely benign. Last evaluated: 2025-12-29. Review status: criteria provided, single submitter. Criteria: ACMG Guidelines, 2015. Collection method: clinical testing. Allele origin: germline.
Comment: Classification criteria: BP1_strong

Labcorp Genetics (formerly Invitae), Labcorp
Classification: Uncertain significance for Hereditary breast ovarian cancer syndrome. Last evaluated: 2025-04-28. Review status: criteria provided, single submitter. Criteria: Invitae Variant Classification Sherloc (09022015). Collection method: clinical testing. Allele origin: germline.
Comment: This sequence change replaces valine, which is neutral and non-polar, with isoleucine, which is neutral and non-polar, at codon 1532 of the BRCA1 protein (p.Val1532Ile). This variant is not present in population databases (gnomAD no frequency). This missense change has been observed in individual(s) with clinical features of BRCA1-related conditions (PMID: 21520333). ClinVar contains an entry for this variant (Variation ID: 184744). Invitae Evidence Modeling of protein sequence and biophysical properties (such as structural, functional, and spatial information, amino acid conservation, physicochemical variation, residue mobility, and thermodynamic stability) indicates that this missense variant is not expected to disrupt BRCA1 protein function with a negative predictive value of 95%. In summary, the available evidence is currently insufficient to determine the role of this variant in disease. Therefore, it has been classified as a Variant of Uncertain Significance.

GeneDx
Classification: Uncertain significance. Last evaluated: 2023-06-06. Review status: criteria provided, single submitter. Criteria: GeneDx Variant Classification Process June 2021. Collection method: clinical testing. Allele origin: germline. Affected: yes.
Comment: Not observed at significant frequency in large population cohorts (gnomAD); In silico analysis supports that this missense variant does not alter protein structure/function; Also known as 4713G>A; Observed in individuals with a personal and/or family history of breast or ovarian cancer (Li et al., 2020); This variant is associated with the following publications: (PMID: 29884841, 32377563, 11301010, 9974970, 31853058)

Ambry Genetics
Classification: Uncertain significance for Hereditary cancer-predisposing syndrome. Last evaluated: 2022-06-30. Review status: criteria provided, single submitter. Criteria: Ambry Variant Classification Scheme 2023. Collection method: clinical testing. Allele origin: germline.
Comment: The p.V1532I variant (also known as c.4594G>A), located in coding exon 13 of the BRCA1 gene, results from a G to A substitution at nucleotide position 4594. The valine at codon 1532 is replaced by isoleucine, an amino acid with highly similar properties. This amino acid position is not well conserved in available vertebrate species. In addition, the in silico prediction for this alteration is inconclusive. Since supporting evidence is limited at this time, the clinical significance of this alteration remains unclear.

ARUP Laboratories, Molecular Genetics and Genomics, ARUP Laboratories
Classification: Uncertain significance. Last evaluated: 2019-10-22. Review status: criteria provided, single submitter. Criteria: ARUP Molecular Germline Variant Investigation Process. Collection method: clinical testing. Allele origin: germline.
Comment: The BRCA1 c.4594G>A; p.Val1532Ile variant (rs786201658), to our knowledge, is not reported in the medical literature but is reported in ClinVar (Variation ID: 184744). This variant is absent from general population databases (Exome Variant Server, Genome Aggregation Database), indicating it is not a common polymorphism. The valine at codon 1532 is weakly conserved, and computational analyses (SIFT, PolyPhen-2) predict that this variant is tolerated. Due to limited information, the clinical significance of the p.Val1532Ile variant is uncertain at this time.

Literature cited by the submitters: PubMed 21520333 (cited by Labcorp Genetics (formerly Invitae), Labcorp).